The following is an entry in ClinVar:

ClinVar aggregate classification (germline): Uncertain significance (1 of 4 stars; one submission).

Conditions:
Hereditary spastic paraplegia 62. Also called: Spastic paraplegia 62, autosomal recessive. Identifiers: Orphanet 401785, MedGen C4284588, MONDO:0014302, OMIM 615681.

Allele frequency attached by ClinVar (database versions not stated): gnomAD 0.00001; gnomAD exomes 0.00001.
gnomAD v4.1: 10 of 1,613,434 alleles (0.00062%); highest among the groups gnomAD compares: Non-Finnish European, 0.00085%; no homozygotes.

Submission:

Labcorp Genetics (formerly Invitae), Labcorp
Classification: Uncertain significance for Hereditary spastic paraplegia 62. Last evaluated: 2022-03-27. Review status: criteria provided, single submitter. Criteria: Invitae Variant Classification Sherloc (09022015). Collection method: clinical testing. Allele origin: germline.
Comment: In summary, the available evidence is currently insufficient to determine the role of this variant in disease. Therefore, it has been classified as a Variant of Uncertain Significance. Algorithms developed to predict the effect of missense changes on protein structure and function (SIFT, PolyPhen-2, Align-GVGD) all suggest that this variant is likely to be disruptive. This variant has not been reported in the literature in individuals affected with ERLIN1-related conditions. This variant is present in population databases (no rsID available, gnomAD 0.002%). This sequence change replaces lysine, which is basic and polar, with asparagine, which is neutral and polar, at codon 203 of the ERLIN1 protein (p.Lys203Asn).

NM_006459.4(ERLIN1):c.609G>C (p.Lys203Asn)

Gene: ERLIN1 (ER lipid raft associated 1; minus strand). Cytogenetic location: 10q24.31.
Variant type: single nucleotide variant.
Coding change: c.609G>C on transcript NM_006459.4 (MANE Select); coding-DNA position 609, G replaced by C.
Protein change: p.Lys203Asn; replaces lysine 203 with asparagine.
Molecular consequence: missense variant. On other transcripts: non-coding transcript variant (6).
Genome position (GRCh38, 1-based): chr10:100,164,050, C>G on the plus strand (G>C on the coding strand, the complement: ERLIN1 is on the minus strand). VCF-style: chr10-100164050-C-G. GRCh37 (hg19) VCF-style: chr10-101923807-C-G.
Other names: c.609G>C, p.Lys203Asn (NM_001347860.2, NM_001347861.2, NM_001100626.2 and 2 more transcripts); c.357G>C, p.Lys119Asn (NM_001347856.2); c.129G>C, p.Lys43Asn (NM_001347858.2); short protein forms K119N, K203N, K43N.
Identifiers: ClinVar variation 2060781 (VCV002060781.4), dbSNP rs896963564, ClinGen allele CA212894434.